The following is an entry in ClinVar:

ClinVar aggregate classification (germline): Uncertain significance (1 of 4 stars; one submission).

Conditions:
Hereditary cancer-predisposing syndrome. Also called: Tumor predisposition; Hereditary Cancer Syndrome; Hereditary neoplastic syndrome; Neoplastic Syndromes, Hereditary. Identifiers: Orphanet 140162, MedGen C0027672, MeSH D009386, MONDO:0015356.

gnomAD v4.1: 1 of 1,354,064 alleles (0.000074%); highest among the groups gnomAD compares: South Asian, 0.0012%; no homozygotes.

Submission:

Ambry Genetics
Classification: Uncertain significance for Hereditary cancer-predisposing syndrome. Last evaluated: 2025-12-05. Review status: criteria provided, single submitter. Criteria: Ambry Variant Classification Scheme 2023. Collection method: clinical testing. Allele origin: germline.
Comment: The p.I744V variant (also known as c.2230A>G), located in coding exon 22 of the RB1 gene, results from an A to G substitution at nucleotide position 2230. The isoleucine at codon 744 is replaced by valine, an amino acid with highly similar properties. This amino acid position is conserved. In addition, the in silico prediction for this alteration is inconclusive. Based on the available evidence, the clinical significance of this variant remains unclear.

NM_000321.3(RB1):c.2230A>G (p.Ile744Val)

Gene: RB1 (RB transcriptional corepressor 1; plus strand). Cytogenetic location: 13q14.2.
Variant type: single nucleotide variant.
Coding change: c.2230A>G on transcript NM_000321.3 (MANE Select); coding-DNA position 2230, A replaced by G.
Protein change: p.Ile744Val; replaces isoleucine 744 with valine.
Molecular consequence: missense variant.
Genome position (GRCh38, 1-based): chr13:48,465,016, A>G. VCF-style: chr13-48465016-A-G. GRCh37 (hg19) VCF-style: chr13-49039152-A-G.
Other names: c.2230A>G, p.Ile744Val (NM_001407165.1); short protein forms I744V.
Identifiers: ClinVar variation 4544367 (VCV004544367.1).
Genomic context (GRCh38, chr13:48,465,016, plus strand): 5'-TACTTTTTTTTTTTTTTTTTTTTTTTTACTGTTCTTCCTCAGACATTCAAACGTGTTTTG[A>G]TCAAAGAAGAGGAGTATGATTCTATTATAGTATTCTATAACTCGGTCTTCATGCAGAGAC-3'
Protein context (NP_000312.2, residues 734-754): AVQETFKRVL[Ile744Val]KEEEYDSIIV